The following is an entry in ClinVar:

NM_198150.3(ARSK):c.1165_1168del (p.Phe389fs)

Gene: ARSK (arylsulfatase family member K; plus strand). Cytogenetic location: 5q15.
Variant type: Deletion.
Coding change: c.1165_1168del on transcript NM_198150.3 (MANE Select); coding-DNA positions 1165 to 1168, 4 bases deleted (TTTA; older notation c.1165_1168delTTTA).
Protein change: p.Phe389fs; shifts the reading frame from phenylalanine 389.
Molecular consequence: frameshift variant.
Genome position (GRCh38, 1-based): chr5:95,600,915-95,600,918, TTTA deleted; deleting any 4 consecutive bases within chr5:95,600,914-95,600,918 gives the same sequence; the c. name uses the placement nearest the transcript's 3' end. VCF-style (leftmost placement, unchanged base first): chr5-95600913-CATTT-C. GRCh37 (hg19) VCF-style: chr5-94936617-CATTT-C.
Other names: short protein forms F389fs.
Identifiers: ClinVar variation 493414 (VCV000493414.44), dbSNP rs1554055537, ClinGen allele CA658683395.

ClinVar aggregate classification (germline): Conflicting classifications of pathogenicity. Review status: criteria provided, conflicting classifications (1 of 4 stars). 2 submissions from 2 submitters: Likely pathogenic (1); Uncertain significance (1). Last evaluated 2026-10-23.

Conditions:
Mucopolysaccharidosis, type 10. Also called: ARSK DEFICIENCY; ARYLSULFATASE K DEFICIENCY. Identifiers: Orphanet 662216, MedGen C5562064, MONDO:0030524, OMIM 619698.

Submissions (2):

Institute of Medical Genetics and Applied Genomics, University Hospital Tübingen
Classification: Likely pathogenic for Mucopolysaccharidosis, type 10. Last evaluated: 2026-10-23. Review status: criteria provided, single submitter. Criteria: ACMG Guidelines, 2015. Collection method: clinical testing. Allele origin: germline. Inheritance: Autosomal recessive inheritance. Affected: yes.

CeGaT Center for Human Genetics Tuebingen
Classification: Uncertain significance. Last evaluated: 2022-12-01. Review status: criteria provided, single submitter. Criteria: CeGaT Center For Human Genetics Tuebingen Variant Classification Criteria Version 2. Collection method: clinical testing. Allele origin: germline. Affected: yes. Observed: 2 variant alleles.
Comment: ARSK: PM2, PVS1:Moderate